The following is an entry in ClinVar:

NM_001145026.2(PTPRQ):c.163+5G>A

Gene: PTPRQ (protein tyrosine phosphatase receptor type Q; plus strand). Cytogenetic location: 12q21.31.
Variant type: single nucleotide variant.
Coding change: c.163+5G>A on transcript NM_001145026.2 (MANE Select); 5 bases into the intron after coding-DNA position 163, G replaced by A.
Molecular consequence: intron variant.
Genome position (GRCh38, 1-based): chr12:80,444,854, G>A. VCF-style: chr12-80444854-G-A. GRCh37 (hg19) VCF-style: chr12-80838634-G-A.
Identifiers: ClinVar variation 432088 (VCV000432088.3), dbSNP rs1403376991, ClinGen allele CA606204256.

ClinVar aggregate classification (germline): Likely pathogenic (1 of 4 stars; one submission).

Allele frequency attached by ClinVar (database versions not stated): gnomAD exomes below 0.00001 and 0.00001; TOPMed below 0.00001; gnomAD 0.00001.
gnomAD v4.1: 6 of 1,516,890 alleles (0.0004%); highest among the groups gnomAD compares: Admixed American, 0.002%; no homozygotes.

Submission:

GeneDx
Classification: Likely pathogenic. Last evaluated: 2026-03-31. Review status: criteria provided, single submitter. Criteria: GeneDx Variant Classification Process June 2021. Collection method: clinical testing. Allele origin: germline. Affected: yes.
Comment: Intronic variant directly or indirectly altering the +5 splice site in a gene for which loss of function is a known mechanism of disease, and splice predictors support a deleterious effect; Not observed at significant frequency in large population cohorts (gnomAD); Has not been previously published as pathogenic or benign to our knowledge